The following is an entry in ClinVar:

NM_001297.5(CNGB1):c.1644-2A>G

Gene: CNGB1 (cyclic nucleotide gated channel subunit beta 1; minus strand). Cytogenetic location: 16q21.
Variant type: single nucleotide variant.
Coding change: c.1644-2A>G on transcript NM_001297.5 (MANE Select); the canonical splice acceptor site of the intron before coding-DNA position 1644, A replaced by G.
Molecular consequence: splice acceptor variant.
Genome position (GRCh38, 1-based): chr16:57,920,546, T>C on the plus strand (A>G on the coding strand, the complement: CNGB1 is on the minus strand). VCF-style: chr16-57920546-T-C. GRCh37 (hg19) VCF-style: chr16-57954450-T-C.
Other names: c.1626-2A>G (NM_001286130.2).
Identifiers: ClinVar variation 1074156 (VCV001074156.14), dbSNP rs750222574, ClinGen allele CA8083342.

ClinVar aggregate classification (germline): Pathogenic/Likely pathogenic. Review status: criteria provided, multiple submitters, no conflicts (2 of 4 stars). 4 submissions from 4 submitters: Pathogenic (2); Likely pathogenic (2). Last evaluated 2025-09-25.

Conditions:
CNGB1-related disorder. Also called: CNGB1-related condition.
Retinitis pigmentosa 45 (RP45). Identifiers: Orphanet 791, MedGen C3151066, MONDO:0013413, OMIM 613767.

Allele frequency attached by ClinVar (database versions not stated): gnomAD 0.00001; gnomAD exomes 0.00001 and 0.00002; ExAC 0.00002; TOPMed 0.00003.
gnomAD v4.1: 8 of 1,611,152 alleles (0.0005%); highest among the groups gnomAD compares: Admixed American, 0.0083%; no homozygotes.

Submissions (4):

3billion
Classification: Pathogenic for Retinitis pigmentosa 45. Last evaluated: 2025-09-25. Review status: criteria provided, single submitter. Criteria: ACMG Guidelines, 2015. Collection method: clinical testing. Allele origin: germline. Affected: yes.
Comment: The variant is observed at an extremely low frequency in the gnomAD v4.1.0 dataset (total allele frequency: 0.002%). Predicted Consequence/Location: Canonical splice site: predicted to alter splicing and result in a loss or disruption of normal protein function. Multiple pathogenic loss-of-function variants are reported downstream of the variant. In silico tools predict the variant to alter splicing and produce an abnormal transcript [SpliceAI: 0.99 (spliceogenicity >=0.2, non-spliceogenicity <0.1)]. The variant has been reported at least twice as pathogenic with clinical assertions and evidence for the classification (ClinVar ID: VCV000425109 /PMID: 33847019 /3billion dataset). Therefore, this variant is classified as Pathogenic according to the recommendation of ACMG/AMP guideline.

Labcorp Genetics (formerly Invitae), Labcorp
Classification: Pathogenic. Last evaluated: 2024-10-13. Review status: criteria provided, single submitter. Criteria: Invitae Variant Classification Sherloc (09022015). Collection method: clinical testing. Allele origin: germline.
Comment: This sequence change affects an acceptor splice site in intron 18 of the CNGB1 gene. It is expected to disrupt RNA splicing. Variants that disrupt the donor or acceptor splice site typically lead to a loss of protein function (PMID: 16199547), and loss-of-function variants in CNGB1 are known to be pathogenic (PMID: 15557452, 24043777). This variant is present in population databases (rs750222574, gnomAD 0.009%). Disruption of this splice site has been observed in individuals with clinical features of retinitis pigmentosa (internal data). ClinVar contains an entry for this variant (Variation ID: 1074156). Algorithms developed to predict the effect of sequence changes on RNA splicing suggest that this variant may disrupt the consensus splice site. For these reasons, this variant has been classified as Pathogenic.

Department of Pathology and Laboratory Medicine, Sinai Health System
Classification: Likely pathogenic for Retinitis pigmentosa 45. Last evaluated: 2022-10-31. Review status: criteria provided, single submitter. Criteria: ACMG Guidelines, 2015. Collection method: research. Allele origin: germline.

Blueprint Genetics
Classification: Likely pathogenic for CNGB1-related disorders. Last evaluated: 2018-01-30. Review status: criteria provided, single submitter. Criteria: ACMG Guidelines, 2015. Collection method: clinical testing. Allele origin: germline. Affected: yes. Observed: 2 variant alleles.

Literature cited by the submitters: PubMed 16199547 (cited by Labcorp Genetics (formerly Invitae), Labcorp); PubMed 15557452 (cited by Labcorp Genetics (formerly Invitae), Labcorp); PubMed 24043777 (cited by Labcorp Genetics (formerly Invitae), Labcorp).